The following is an entry in ClinVar:

ClinVar aggregate classification (germline): Uncertain significance (1 of 4 stars; one submission).

Conditions:
Dystonic disorder. Also called: Dystonia. Identifiers: MedGen C0013421, MONDO:0003441, HP:0001332.

Submission:

Labcorp Genetics (formerly Invitae), Labcorp
Classification: Uncertain significance for Dystonic disorder. Last evaluated: 2024-10-31. Review status: criteria provided, single submitter. Criteria: Invitae Variant Classification Sherloc (09022015). Collection method: clinical testing. Allele origin: germline.
Comment: This sequence change replaces aspartic acid, which is acidic and polar, with glycine, which is neutral and non-polar, at codon 752 of the CIZ1 protein (p.Asp752Gly). This variant is not present in population databases (gnomAD no frequency). This variant has not been reported in the literature in individuals affected with CIZ1-related conditions. An algorithm developed to predict the effect of missense changes on protein structure and function (PolyPhen-2) suggests that this variant is likely to be tolerated. In summary, the available evidence is currently insufficient to determine the role of this variant in disease. Therefore, it has been classified as a Variant of Uncertain Significance.

NM_001131016.2(CIZ1):c.2255A>G (p.Asp752Gly)

Gene: CIZ1 (CDKN1A interacting zinc finger protein 1; minus strand). Cytogenetic location: 9q34.11.
Variant type: single nucleotide variant.
Coding change: c.2255A>G on transcript NM_001131016.2 (MANE Select); coding-DNA position 2255, A replaced by G.
Protein change: p.Asp752Gly; replaces aspartic acid 752 with glycine.
Molecular consequence: missense variant.
Genome position (GRCh38, 1-based): chr9:128,169,092, T>C on the plus strand (A>G on the coding strand, the complement: CIZ1 is on the minus strand). VCF-style: chr9-128169092-T-C. GRCh37 (hg19) VCF-style: chr9-130931371-T-C.
Other names: c.2087A>G, p.Asp696Gly (NM_001131015.2); c.2072A>G, p.Asp691Gly (NM_001131017.2); c.2015A>G, p.Asp672Gly (NM_001131018.2); c.2423A>G, p.Asp808Gly (NM_001257975.2); c.1952A>G, p.Asp651Gly (NM_001257976.2); c.2255A>G, p.Asp752Gly (NM_012127.3); short protein forms D696G, D808G, D752G, D651G, D672G, D691G.
Identifiers: ClinVar variation 3670990 (VCV003670990.2).